The following is an entry in ClinVar:

ClinVar aggregate classification (germline): Uncertain significance. Review status: criteria provided, multiple submitters, no conflicts (2 of 4 stars). 4 submissions from 4 submitters: Uncertain significance (4). Last evaluated 2025-02-23.

Conditions:
Inborn genetic diseases. Identifiers: MedGen C0950123, MeSH D030342.

Allele frequency attached by ClinVar (database versions not stated): ExAC 0.00002; gnomAD exomes 0.00002 and 0.00013; gnomAD 0.00006 and 0.00007; TOPMed 0.00008.
gnomAD v4.1: 209 of 1,612,834 alleles (0.013%); highest among the groups gnomAD compares: Non-Finnish European, 0.016%; no homozygotes.

Submissions (4):

GeneDx
Classification: Uncertain significance. Last evaluated: 2025-02-23. Review status: criteria provided, single submitter. Criteria: GeneDx Variant Classification Process June 2021. Collection method: clinical testing. Allele origin: germline. Affected: yes.
Comment: Not observed at significant frequency in large population cohorts (gnomAD); In silico analysis supports that this missense variant has a deleterious effect on protein structure/function; Has not been previously published as pathogenic or benign to our knowledge

Ambry Genetics
Classification: Uncertain significance for Inborn genetic diseases. Last evaluated: 2024-05-30. Review status: criteria provided, single submitter. Criteria: Ambry Variant Classification Scheme 2023. Collection method: clinical testing. Allele origin: germline.

Blueprint Genetics
Classification: Uncertain significance. Last evaluated: 2021-09-13. Review status: criteria provided, single submitter. Criteria: ACMG Guidelines, 2015. Collection method: clinical testing. Allele origin: germline.

Laboratory for Molecular Medicine, Mass General Brigham Personalized Medicine
Classification: Uncertain significance. Last evaluated: 2019-01-28. Review status: criteria provided, single submitter. Criteria: LMM Criteria. Collection method: clinical testing. Allele origin: germline. Observed: 1 variant allele.
Comment: The p.Trp1081Gly variant in MYO15A has not been previously reported in individuals with hearing loss but has been identified in 0.005% (7/127836) of European chromosomes by gnomAD. Computational prediction tools and conservation analysis suggest that this variant may impact the protein, though this information is not predictive enough to determine pathogenicity. In summary, the clinical significance of the p.Trp1081Gly variant is uncertain. ACMG/AMP criteria applied: PM2, PP3.

NM_016239.4(MYO15A):c.3241T>G (p.Trp1081Gly)

Gene: MYO15A (myosin XVA; plus strand). Cytogenetic location: 17p11.2.
Variant type: single nucleotide variant.
Coding change: c.3241T>G on transcript NM_016239.4 (MANE Select); coding-DNA position 3241, T replaced by G.
Protein change: p.Trp1081Gly; replaces tryptophan 1081 with glycine.
Molecular consequence: missense variant.
Genome position (GRCh38, 1-based): chr17:18,122,041, T>G. VCF-style: chr17-18122041-T-G. GRCh37 (hg19) VCF-style: chr17-18025355-T-G.
Other names: short protein forms W1081G.
Identifiers: ClinVar variation 666869 (VCV000666869.8), dbSNP rs771821256, ClinGen allele CA8423410.
Genomic context (GRCh38, chr17:18,122,041, plus strand): 5'-CTCTCATACCCACTGGCTGCGTGTGACCAGACCAGGGCCACATGGCCACCATGGCACCGC[T>G]GGGGAACACTGCCCCAAGCCGCAGCCCCCTTGGCGCCCATCAGGGCCCCAGAGCCCCTGC-3'
Protein context (NP_057323.3, residues 1071-1091): TRATWPPWHR[Trp1081Gly]GTLPQAAAPL